The following is an entry in ClinVar:

NM_001033855.3(DCLRE1C):c.679-1G>T

Gene: DCLRE1C (DNA cross-link repair 1C; minus strand). Cytogenetic location: 10p13.
Variant type: single nucleotide variant.
Coding change: c.679-1G>T on transcript NM_001033855.3 (MANE Select); the canonical splice acceptor site of the intron before coding-DNA position 679, G replaced by T.
Molecular consequence: splice acceptor variant.
Genome position (GRCh38, 1-based): chr10:14,932,956, C>A on the plus strand (G>T on the coding strand, the complement: DCLRE1C is on the minus strand). VCF-style: chr10-14932956-C-A. GRCh37 (hg19) VCF-style: chr10-14974955-C-A.
Other names: c.334-1G>T (NM_001350966.2, NM_001289078.2, NM_001289076.2 and 1 more transcripts); c.679-1G>T (NM_001350965.2); c.319-1G>T (NM_001350967.2, NM_001289077.2, NM_001289079.2 and 2 more transcripts).
Identifiers: ClinVar variation 1067025 (VCV001067025.7), dbSNP rs2130918080, ClinGen allele CA376058540.

ClinVar aggregate classification (germline): Likely pathogenic (1 of 4 stars; one submission).

Conditions:
Severe combined immunodeficiency due to DCLRE1C deficiency (RS-SCID). Also called: SCID, AUTOSOMAL RECESSIVE, T CELL-NEGATIVE, B CELL-NEGATIVE, NK CELL-POSITIVE, WITH SENSITIVITY TO IONIZING RADIATION. Identifiers: Orphanet 275, MedGen C1865371, MONDO:0011225, OMIM 602450.

Submission:

Labcorp Genetics (formerly Invitae), Labcorp
Classification: Likely pathogenic for Athabaskan severe combined immunodeficiency. Last evaluated: 2020-03-29. Review status: criteria provided, single submitter. Criteria: Invitae Variant Classification Sherloc (09022015). Collection method: clinical testing. Allele origin: germline.
Comment: This sequence change affects an acceptor splice site in intron 8 of the DCLRE1C gene. It is expected to disrupt RNA splicing and likely results in an absent or disrupted protein product. This variant is not present in population databases (ExAC no frequency). This variant has not been reported in the literature in individuals with DCLRE1C-related conditions. Algorithms developed to predict the effect of sequence changes on RNA splicing suggest that this variant may disrupt the consensus splice site, but this prediction has not been confirmed by published transcriptional studies. Donor and acceptor splice site variants typically lead to a loss of protein function (PMID: 16199547), and loss-of-function variants in DCLRE1C are known to be pathogenic (PMID: 21664875, 26123418). In summary, the currently available evidence indicates that the variant is pathogenic, but additional data are needed to prove that conclusively. Therefore, this variant has been classified as Likely Pathogenic.

Literature cited by the submitters: PubMed 16199547; PubMed 21664875; PubMed 26123418.